The following is an entry in ClinVar:

ClinVar aggregate classification (germline): Likely benign. Review status: criteria provided, single submitter (1 of 4 stars). 2 submissions from 2 submitters: Likely benign (1). 1 of the submissions does not count toward it. Last evaluated 2026-01-21.

Conditions:
TTC8-related disorder. Also called: TTC8-related condition.
Bardet-Biedl syndrome (BBS). Identifiers: Orphanet 110, MedGen C0752166, MONDO:0015229.

Submissions (2):

Labcorp Genetics (formerly Invitae), Labcorp
Classification: Likely benign for Bardet-Biedl syndrome. Last evaluated: 2026-01-21. Review status: criteria provided, single submitter. Criteria: Invitae Variant Classification Sherloc (09022015). Collection method: clinical testing. Allele origin: germline.

PreventionGenetics, part of Exact Sciences
Classification: Likely benign for TTC8-related condition. Last evaluated: 2022-04-05. Review status: no assertion criteria provided. Collection method: clinical testing. Allele origin: germline. Not counted in ClinVar's aggregate classification.
Comment: This variant is classified as likely benign based on ACMG/AMP sequence variant interpretation guidelines (Richards et al. 2015 PMID: 25741868, with internal and published modifications).

NM_144596.4(TTC8):c.266-5C>T

Gene: TTC8 (tetratricopeptide repeat domain 8; plus strand). Cytogenetic location: 14q31.3.
Variant type: single nucleotide variant.
Coding change: c.266-5C>T on transcript NM_144596.4 (MANE Select); 5 bases into the intron before coding-DNA position 266, C replaced by T.
Molecular consequence: intron variant.
Genome position (GRCh38, 1-based): chr14:88,840,860, C>T. VCF-style: chr14-88840860-C-T. GRCh37 (hg19) VCF-style: chr14-89307204-C-T.
Other names: c.-327-5C>T (NM_001288782.1); c.236-5C>T (NM_001288781.1, NM_198309.3, NM_198310.3 and 2 more transcripts); c.-422-5C>T (NM_001288783.1).
Identifiers: ClinVar variation 3352560 (VCV003352560.2).